The following is an entry in ClinVar:

NM_024753.5(TTC21B):c.1495G>A (p.Ala499Thr)

Gene: TTC21B (tetratricopeptide repeat domain 21B; minus strand). Cytogenetic location: 2q24.3.
Variant type: single nucleotide variant.
Coding change: c.1495G>A on transcript NM_024753.5 (MANE Select); coding-DNA position 1495, G replaced by A.
Protein change: p.Ala499Thr; replaces alanine 499 with threonine.
Molecular consequence: missense variant.
Genome position (GRCh38, 1-based): chr2:165,924,570, C>T on the plus strand (G>A on the coding strand, the complement: TTC21B is on the minus strand). VCF-style: chr2-165924570-C-T. GRCh37 (hg19) VCF-style: chr2-166781080-C-T.
Other names: short protein forms A499T.
Identifiers: ClinVar variation 432560 (VCV000432560.6), dbSNP rs866222900, ClinGen allele CA59805003.
Genomic context (GRCh38, chr2:165,924,570, plus strand): 5'-CAGAATAAAAAGGTTAAAAGTTTTTAAGGTATACTCTACCTGACAAATATTTCACTTTTG[C>T]TATTAGGAAGACTGTTTGCAGAAGACCTGGAACAGTTCTTACTACAGTCTCCAGGACTGA-3'
Protein context (NP_079029.3, residues 489-509): PGLLQTVFLI[Ala499Thr]KVKYLSGDIE

ClinVar aggregate classification (germline): Uncertain significance. Review status: criteria provided, multiple submitters, no conflicts (2 of 4 stars). 5 submissions from 5 submitters: Uncertain significance (3). 2 of the submissions do not count toward it. Last evaluated 2026-02-03.

Conditions:
TTC21B-related disorder. Also called: TTC21B-related condition; TTC21B-related disorders.
Jeune thoracic dystrophy. Also called: Short-rib thoracic dysplasia; Jeune syndrome; Infantile thoracic dystrophy; Thoracic pelvic phalangeal dystrophy; Jeune's syndrome; Chondroectodermal dysplasia-like syndrome. Identifiers: Orphanet 474, MedGen C0265275, MONDO:0018770.
Nephronophthisis. Also called: Juvenile Nephronophthisis. Identifiers: Orphanet 655, MedGen C0687120, MONDO:0019005, HP:0000090.

Allele frequency attached by ClinVar (database versions not stated): gnomAD exomes below 0.00001; gnomAD 0.00001; TOPMed 0.00003.
gnomAD v4.1: 4 of 1,613,316 alleles (0.00025%); highest among the groups gnomAD compares: African/African-American, 0.0053%; no homozygotes.

Submissions (5):

PreventionGenetics, part of Exact Sciences
Classification: Uncertain significance for TTC21B-related condition. Last evaluated: 2026-02-03. Review status: criteria provided, single submitter. Criteria: ACMG Guidelines, 2015. Collection method: clinical testing. Allele origin: germline.
Comment: The TTC21B c.1495G>A variant is predicted to result in the amino acid substitution p.Ala499Thr. This variant has been reported in an individual with a short-rib thoracic dysplasia phenotype (Figure 3, Zhang et al. 2018. PubMed ID: 29068549). This variant has not been reported in a large population database (gnomAD), indicating this variant is rare. At this time, the clinical significance of this variant is uncertain due to the absence of conclusive functional and genetic evidence.

Labcorp Genetics (formerly Invitae), Labcorp
Classification: Uncertain significance for Jeune thoracic dystrophy; Nephronophthisis. Last evaluated: 2022-02-16. Review status: criteria provided, single submitter. Criteria: Invitae Variant Classification Sherloc (09022015). Collection method: clinical testing. Allele origin: germline.
Comment: This sequence change replaces alanine, which is neutral and non-polar, with threonine, which is neutral and polar, at codon 499 of the TTC21B protein (p.Ala499Thr). This variant is not present in population databases (gnomAD no frequency). This missense change has been observed in individual(s) with short-rib thoracic dysplasia (PMID: 29068549). ClinVar contains an entry for this variant (Variation ID: 432560). Algorithms developed to predict the effect of missense changes on protein structure and function (SIFT, PolyPhen-2, Align-GVGD) all suggest that this variant is likely to be disruptive. In summary, the available evidence is currently insufficient to determine the role of this variant in disease. Therefore, it has been classified as a Variant of Uncertain Significance.

GeneDx
Classification: Uncertain significance. Last evaluated: 2017-06-26. Review status: criteria provided, single submitter. Criteria: GeneDx Variant Classification (06012015). Collection method: clinical testing. Allele origin: germline. Affected: yes.
Comment: A variant of uncertain significance has been identified in the TTC21B gene. The A499T variant has not been published as a pathogenic variant, nor has it been reported as a benign variant to our knowledge. The A499T variant is not observed in large population cohorts (Lek et al., 2016; 1000 Genomes Consortium et al., 2015; Exome Variant Server). The A499T variant is a non-conservative amino acid substitution, which is likely to impact secondary protein structure as these residues differ in polarity, charge, size and/or other properties. This substitution occurs at a position that is conserved across species, and in silico analysis predicts this variant is probably damaging to the protein structure/function. Based on the currently available information, it is unclear whether this variant is a pathogenic variant or a rare benign variant.

Dan Cohn Lab, University Of California Los Angeles
Classification: Likely pathogenic for Asphyxiating thoracic dystrophy. Last evaluated: 2017-06-01. Review status: no assertion criteria provided. Collection method: research. Allele origin: unknown. Affected: yes. Not counted in ClinVar's aggregate classification.

University of Washington Center for Mendelian Genomics, University of Washington
Classification: Likely pathogenic for asphyxiating thoracic dystrophy. Review status: no assertion criteria provided. Collection method: research. Allele origin: inherited. Affected: yes. Not counted in ClinVar's aggregate classification.

Literature cited by the submitters: PubMed 29068549 (cited by 3 submitters).